The following is an entry in ClinVar:

ClinVar aggregate classification (germline): Uncertain significance (1 of 4 stars; one submission).

Conditions:
Galactosylceramide beta-galactosidase deficiency. Also called: Krabbe Disease; Leukodystrophy, Globoid Cell; GALACTOCEREBROSIDASE DEFICIENCY; GALC DEFICIENCY; GLOBOID CELL LEUKOENCEPHALOPATHY. Identifiers: Orphanet 487, MedGen C0023521, MONDO:0009499, OMIM 245200.

Allele frequency attached by ClinVar (database versions not stated): gnomAD exomes 0.00001; gnomAD 0.00006.
gnomAD v4.1: 30 of 1,599,746 alleles (0.0019%); highest among the groups gnomAD compares: Admixed American, 0.029%; no homozygotes.

Submission:

Labcorp Genetics (formerly Invitae), Labcorp
Classification: Uncertain significance for Galactosylceramide beta-galactosidase deficiency. Last evaluated: 2026-01-19. Review status: criteria provided, single submitter. Criteria: Invitae Variant Classification Sherloc (09022015). Collection method: clinical testing. Allele origin: germline.
Comment: This sequence change replaces valine, which is neutral and non-polar, with phenylalanine, which is neutral and non-polar, at codon 607 of the GALC protein (p.Val607Phe). This variant is not present in population databases (gnomAD no frequency). This variant has not been reported in the literature in individuals affected with GALC-related conditions. ClinVar contains an entry for this variant (Variation ID: 1415534). Invitae Evidence Modeling of protein sequence and biophysical properties (such as structural, functional, and spatial information, amino acid conservation, physicochemical variation, residue mobility, and thermodynamic stability) indicates that this missense variant is expected to disrupt GALC protein function with a positive predictive value of 95%. In summary, the available evidence is currently insufficient to determine the role of this variant in disease. Therefore, it has been classified as a Variant of Uncertain Significance.

NM_000153.4(GALC):c.1819G>T (p.Val607Phe)

Gene: GALC (galactosylceramidase; minus strand). Cytogenetic location: 14q31.3.
Variant type: single nucleotide variant.
Coding change: c.1819G>T on transcript NM_000153.4 (MANE Select); coding-DNA position 1819, G replaced by T.
Protein change: p.Val607Phe; replaces valine 607 with phenylalanine.
Molecular consequence: missense variant.
Genome position (GRCh38, 1-based): chr14:87,941,410, C>A on the plus strand (G>T on the coding strand, the complement: GALC is on the minus strand). VCF-style: chr14-87941410-C-A. GRCh37 (hg19) VCF-style: chr14-88407754-C-A.
Other names: c.1750G>T, p.Val584Phe (NM_001201401.2); c.1741G>T, p.Val581Phe (NM_001201402.2); short protein forms V584F, V581F, V607F.
Identifiers: ClinVar variation 1415534 (VCV001415534.5), dbSNP rs929215561, ClinGen allele CA264679898.